The following is an entry in ClinVar:

ClinVar aggregate classification (germline): Uncertain significance (1 of 4 stars; one submission).

Conditions:
Citrullinemia type I (CTNL1). Also called: ASS DEFICIENCY; argininosuccinate synthetase deficiency. Identifiers: Orphanet 247525, MedGen C4721769, MONDO:0008988, OMIM 215700.

gnomAD v4.1: 12 of 1,614,122 alleles (0.00074%); highest among the groups gnomAD compares: East Asian, 0.022%; no homozygotes.

Submission:

Juno Genomics, Hangzhou Juno Genomics, Inc
Classification: Uncertain significance for Citrullinemia type I. Review status: criteria provided, single submitter. Criteria: ACMG Guidelines, 2015. Collection method: clinical testing. Allele origin: germline.
Comment: Absent from controls (or at extremely low frequency if recessive) in Genome Aggregation Database.

NM_054012.4(ASS1):c.79C>A (p.Gln27Lys)

Gene: ASS1 (argininosuccinate synthase 1; plus strand). Cytogenetic location: 9q34.11.
Variant type: single nucleotide variant.
Coding change: c.79C>A on transcript NM_054012.4 (MANE Select); coding-DNA position 79, C replaced by A.
Protein change: p.Gln27Lys; replaces glutamine 27 with lysine.
Molecular consequence: missense variant.
Genome position (GRCh38, 1-based): chr9:130,452,307, C>A. VCF-style: chr9-130452307-C-A. GRCh37 (hg19) VCF-style: chr9-133327694-C-A.
Other names: c.79C>A, p.Gln27Lys (NM_000050.4); short protein forms Q27K.
Identifiers: ClinVar variation 5007401 (VCV005007401.2).
Genomic context (GRCh38, chr9:130,452,307, plus strand): 5'-GTGGTTCTGGCCTACAGTGGCGGCCTGGACACCTCGTGCATCCTCGTGTGGCTGAAGGAA[C>A]AAGGCTATGACGTCATTGCCTATCTGGTGAGGGAGCGACCTGGGTGTCTGTCTTCCTGCG-3'
Protein context (NP_446464.1, residues 17-37): TSCILVWLKE[Gln27Lys]GYDVIAYLAN